The following is an entry in ClinVar:

NM_017802.4(DNAAF5):c.920G>C (p.Ser307Thr)

Gene: DNAAF5 (dynein axonemal assembly factor 5; plus strand). Cytogenetic location: 7p22.3.
Variant type: single nucleotide variant.
Coding change: c.920G>C on transcript NM_017802.4 (MANE Select); coding-DNA position 920, G replaced by C.
Protein change: p.Ser307Thr; replaces serine 307 with threonine.
Molecular consequence: missense variant. On other transcripts: non-coding transcript variant (1).
Genome position (GRCh38, 1-based): chr7:741,361, G>C. VCF-style: chr7-741361-G-C. GRCh37 (hg19) VCF-style: chr7-780998-G-C.
Other names: short protein forms S307T.
Identifiers: ClinVar variation 3272528 (VCV003272528.1).

ClinVar aggregate classification (germline): Uncertain significance (1 of 4 stars; one submission).

Conditions:
Primary ciliary dyskinesia. Also called: Ciliary dyskinesia. Identifiers: Orphanet 244, MedGen C0008780, MONDO:0016575, HP:0012265.

gnomAD v4.1: 5 of 1,588,774 alleles (0.00031%); highest among the groups gnomAD compares: Admixed American, 0.0054%; no homozygotes.

Submission:

Ambry Genetics
Classification: Uncertain significance for Primary ciliary dyskinesia. Last evaluated: 2024-03-30. Review status: criteria provided, single submitter. Criteria: Ambry Variant Classification Scheme 2023. Collection method: clinical testing. Allele origin: germline.
Comment: The p.S307T variant (also known as c.920G>C), located in coding exon 4 of the DNAAF5 gene, results from a G to C substitution at nucleotide position 920. The serine at codon 307 is replaced by threonine, an amino acid with similar properties. This amino acid position is conserved. In addition, this alteration is predicted to be tolerated by in silico analysis. Based on the available evidence, the clinical significance of this alteration remains unclear.